The following is an entry in ClinVar:

ClinVar aggregate classification (germline): Pathogenic (1 of 4 stars; one submission).

Submission:

Quest Diagnostics Nichols Institute San Juan Capistrano
Classification: Pathogenic. Last evaluated: 2024-07-05. Review status: criteria provided, single submitter. Criteria: ACMG/ClinGen CNV Guidelines, 2019. Collection method: clinical testing. Allele origin: unknown.
Comment: This copy number loss of 17p13.3 involves multiple protein-coding genes and overlaps with the proximal portion of the larger Miller-Dieker lissencephaly syndrome (MDS; OMIM 247200). Haploinsufficiency of PAFAH1B1 is associated with the brain cortical malformations, ranging from complete agyria to subcortical band heterotopia (OMIM 607432; ClinGen CCID:007609) (Feng 2024). Thus, this copy number variant (CNV) is classified as pathogenic. References: Feng et al., Seizure. 2024 Apr:117:98-104. PMID: 38364333

GRCh37/hg19 17p13.3(chr17:2316531-2972634)x1

Genes: CLUH (CLUH binding protein of NUMT mRNA; minus strand), METTL16 (methyltransferase 16, RNA N6-adenosine; minus strand), OR1D5 (olfactory receptor family 1 subfamily D member 5; minus strand), PAFAH1B1 (platelet activating factor acetylhydrolase 1b regulatory subunit 1; plus strand), RAP1GAP2 (RAP1 GTPase activating protein 2; plus strand). Cytogenetic location: 17p13.3.
Variant type: copy number loss.
Change: copy number 1 (one copy instead of two) of chr17:2,316,531-2,972,634 (656.1 kb, GRCh37 coordinates, 1-based), cytogenetic band 17p13.3.
Identifiers: ClinVar variation 4682911 (VCV004682911.1).